The following is an entry in ClinVar:

ClinVar aggregate classification (germline): Uncertain significance (1 of 4 stars; one submission).

Conditions:
ODC1-related disorder. Also called: ODC1-related condition.

gnomAD v4.1: 2 of 1,614,090 alleles (0.00012%); highest among the groups gnomAD compares: African/African-American, 0.0013%; no homozygotes.

Submission:

PreventionGenetics, part of Exact Sciences
Classification: Uncertain significance for ODC1-related condition. Last evaluated: 2023-09-07. Review status: criteria provided, single submitter. Criteria: ACMG Guidelines, 2015. Collection method: clinical testing. Allele origin: germline.
Comment: The ODC1 c.1217A>T variant is predicted to result in the amino acid substitution p.Tyr406Phe. To our knowledge, this variant has not been reported in the literature or in a large population database, indicating this variant is rare. At this time, the clinical significance of this variant is uncertain due to the absence of conclusive functional and genetic evidence.

NM_002539.3(ODC1):c.1217A>T (p.Tyr406Phe)

Gene: ODC1 (ornithine decarboxylase 1; minus strand). Cytogenetic location: 2p25.1.
Variant type: single nucleotide variant.
Coding change: c.1217A>T on transcript NM_002539.3 (MANE Select); coding-DNA position 1217, A replaced by T.
Protein change: p.Tyr406Phe; replaces tyrosine 406 with phenylalanine.
Molecular consequence: missense variant.
Genome position (GRCh38, 1-based): chr2:10,441,533, T>A on the plus strand (A>T on the coding strand, the complement: ODC1 is on the minus strand). VCF-style: chr2-10441533-T-A. GRCh37 (hg19) VCF-style: chr2-10581659-T-A.
Other names: c.830A>T, p.Tyr277Phe (NM_001287188.2); c.1217A>T, p.Tyr406Phe (NM_001287189.2, NM_001287190.2); short protein forms Y277F, Y406F.
Identifiers: ClinVar variation 2631606 (VCV002631606.1), dbSNP rs1671816217, ClinGen allele CA345813166.